The following is an entry in ClinVar:

NM_001365276.2(TNXB):c.2618C>A (p.Ser873Tyr)

Gene: TNXB (tenascin XB; minus strand). Cytogenetic location: 6p21.33.
Variant type: single nucleotide variant.
Coding change: c.2618C>A on transcript NM_001365276.2 (MANE Select); coding-DNA position 2618, C replaced by A.
Protein change: p.Ser873Tyr; replaces serine 873 with tyrosine.
Molecular consequence: missense variant.
Genome position (GRCh38, 1-based): chr6:32,088,946, G>T on the plus strand (C>A on the coding strand, the complement: TNXB is on the minus strand). VCF-style: chr6-32088946-G-T. GRCh37 (hg19) VCF-style: chr6-32056723-G-T.
Other names: c.2618C>A, p.Ser873Tyr (NM_019105.8); short protein forms S873Y.
Identifiers: ClinVar variation 2565763 (VCV002565763.2), dbSNP rs865835265, ClinGen allele CA363461354.
Genomic context (GRCh38, chr6:32,088,946, plus strand): 5'-GTCCCGTCTGCTTCAGGGGGCACTTCCAGCCTCACCCTCTGGTTGCCGGCACTGACGTAG[G>T]ACACCACAAATCGGTCCACCTCAGCCTGGGGACGCAGCCAGCCAAGCTCCAGTGTTGTCG-3'
Protein context (NP_001352205.1, residues 863-883): PQAEVDRFVV[Ser873Tyr]YVSAGNQRVR

ClinVar aggregate classification (germline): Uncertain significance (1 of 4 stars; one submission).

Conditions:
Cardiovascular phenotype. Identifiers: MedGen CN230736.

Allele frequency attached by ClinVar (database versions not stated): gnomAD exomes below 0.00001; gnomAD 0.00001.
gnomAD v4.1: 2 of 1,607,914 alleles (0.00012%); highest among the groups gnomAD compares: Non-Finnish European, 0.00017%; no homozygotes.

Submission:

Ambry Genetics
Classification: Uncertain significance for Cardiovascular phenotype. Last evaluated: 2023-06-04. Review status: criteria provided, single submitter. Criteria: Ambry Variant Classification Scheme 2023. Collection method: clinical testing. Allele origin: germline.
Comment: The p.S873Y variant (also known as c.2618C>A), located in coding exon 5 of the TNXB gene, results from a C to A substitution at nucleotide position 2618. The serine at codon 873 is replaced by tyrosine, an amino acid with dissimilar properties. This amino acid position is conserved. In addition, this alteration is predicted to be tolerated by in silico analysis. Since supporting evidence is limited at this time, the clinical significance of this alteration remains unclear.